The following is an entry in ClinVar:

NM_000051.4(ATM):c.3546_3547del (p.Asn1183fs)

Gene: ATM (ATM serine/threonine kinase; plus strand). Cytogenetic location: 11q22.3.
Variant type: Microsatellite.
Coding change: c.3546_3547del on transcript NM_000051.4 (MANE Select); coding-DNA positions 3546 to 3547, 2 bases deleted (GA; older notation c.3546_3547delGA).
Protein change: p.Asn1183fs; shifts the reading frame from asparagine 1183.
Molecular consequence: frameshift variant.
Genome position (GRCh38, 1-based): chr11:108,281,138-108,281,139, GA deleted; deleting any 2 consecutive bases within chr11:108,281,135-108,281,139 gives the same sequence; the c. name uses the placement nearest the transcript's 3' end. VCF-style (leftmost placement, unchanged base first): chr11-108281134-AAG-A. GRCh37 (hg19) VCF-style: chr11-108151861-AAG-A.
Other names: c.3546_3547del, p.Asn1183fs (NM_001351834.2); short protein forms N1183fs.
Identifiers: ClinVar variation 1074652 (VCV001074652.10), dbSNP rs768356403, ClinGen allele CA6265305.

ClinVar aggregate classification (germline): Pathogenic. Review status: criteria provided, multiple submitters, no conflicts (2 of 4 stars). 4 submissions from 4 submitters: Pathogenic (4). Last evaluated 2024-04-04.

Conditions:
Hereditary cancer-predisposing syndrome. Also called: Neoplastic Syndromes, Hereditary; Hereditary neoplastic syndrome; Tumor predisposition; Hereditary Cancer Syndrome. Identifiers: Orphanet 140162, MedGen C0027672, MeSH D009386, MONDO:0015356.
Familial cancer of breast. Also called: BREAST CANCER, FAMILIAL; hereditary breast carcinoma; Hereditary breast cancer. Identifiers: Orphanet 227535, MedGen C0346153, MONDO:0016419, OMIM 114480. Disease mechanism: loss of function.
Ataxia-telangiectasia syndrome (AT). Also called: Cerebello-oculocutaneous telangiectasia; Immunodeficiency with ataxia telangiectasia; ATAXIA-TELANGIECTASIA, FRESNO VARIANT; Ataxia-telangiectasia, complementation group D; Ataxia telangiectasia (A-T); LOUIS-BAR SYNDROME. Identifiers: Orphanet 100, MedGen C0004135, MONDO:0008840, OMIM 208900.

Submissions (4):

Labcorp Genetics (formerly Invitae), Labcorp
Classification: Pathogenic for Ataxia-telangiectasia syndrome. Last evaluated: 2024-04-04. Review status: criteria provided, single submitter. Criteria: Invitae Variant Classification Sherloc (09022015). Collection method: clinical testing. Allele origin: germline.
Comment: This sequence change creates a premature translational stop signal (p.Asn1183Trpfs*16) in the ATM gene. It is expected to result in an absent or disrupted protein product. Loss-of-function variants in ATM are known to be pathogenic (PMID: 23807571, 25614872). This variant is present in population databases (rs768356403, gnomAD 0.003%). This premature translational stop signal has been observed in individual(s) with ataxia telangiectasia (PMID: 35260754). ClinVar contains an entry for this variant (Variation ID: 1074652). For these reasons, this variant has been classified as Pathogenic.

Molecular Pathology, Peter Maccallum Cancer Centre
Classification: Pathogenic for Ataxia-telangiectasia syndrome. Last evaluated: 2024-03-27. Review status: criteria provided, single submitter. Criteria: ACMG Guidelines, 2015. Collection method: clinical testing. Allele origin: germline. Inheritance: Autosomal recessive inheritance.

Myriad Genetics, Inc.
Classification: Pathogenic for Familial cancer of breast. Last evaluated: 2024-01-22. Review status: criteria provided, single submitter. Criteria: Myriad Autosomal Dominant, Autosomal Recessive and X-Linked Classification Criteria (2023). Collection method: clinical testing. Allele origin: unknown.
Comment: This variant is considered pathogenic. This variant creates a frameshift predicted to result in premature protein truncation.

Ambry Genetics
Classification: Pathogenic for Hereditary cancer-predisposing syndrome. Last evaluated: 2021-12-22. Review status: criteria provided, single submitter. Criteria: Ambry Variant Classification Scheme 2023. Collection method: clinical testing. Allele origin: germline.
Comment: The c.3546_3547delGA pathogenic mutation, located in coding exon 23 of the ATM gene, results from a deletion of two nucleotides at nucleotide positions 3546 to 3547, causing a translational frameshift with a predicted alternate stop codon (p.N1183Wfs*16). One study detected this mutation in 0/3030 pancreatic cancer cases and 1/123136 population controls (Hu C et al. JAMA, 2018 06;319:2401-2409). This variant is considered to be rare based on population cohorts in the Genome Aggregation Database (gnomAD). In addition to the clinical data presented in the literature, this alteration is expected to result in loss of function by premature protein truncation or nonsense-mediated mRNA decay. As such, this alteration is interpreted as a disease-causing mutation.

Literature cited by the submitters: PubMed 23807571 (cited by Labcorp Genetics (formerly Invitae), Labcorp); PubMed 25614872 (cited by Labcorp Genetics (formerly Invitae), Labcorp); PubMed 35260754 (cited by Labcorp Genetics (formerly Invitae), Labcorp); PubMed 29922827 (cited by Ambry Genetics).